The following is an entry in ClinVar:

NM_001278716.2(FBXL4):c.839T>C (p.Phe280Ser)

Gene: FBXL4 (F-box and leucine rich repeat protein 4; minus strand). Cytogenetic location: 6q16.2.
Variant type: single nucleotide variant.
Coding change: c.839T>C on transcript NM_001278716.2 (MANE Select); coding-DNA position 839, T replaced by C.
Protein change: p.Phe280Ser; replaces phenylalanine 280 with serine.
Molecular consequence: missense variant.
Genome position (GRCh38, 1-based): chr6:98,917,393, A>G on the plus strand (T>C on the coding strand, the complement: FBXL4 is on the minus strand). VCF-style: chr6-98917393-A-G. GRCh37 (hg19) VCF-style: chr6-99365269-A-G.
Other names: c.839T>C, p.Phe280Ser (NM_012160.5); short protein forms F280S.
Identifiers: ClinVar variation 4023664 (VCV004023664.2).

ClinVar aggregate classification (germline): Uncertain significance. Review status: criteria provided, multiple submitters, no conflicts (2 of 4 stars). 2 submissions from 2 submitters: Uncertain significance (2). Last evaluated 2025-11-12.

Conditions:
Mitochondrial DNA depletion syndrome 13. Also called: FBXL4-Related Encephalomyopathic Mitochondrial DNA Depletion Syndrome; Mitochondrial DNA depletion syndrome 13 (encephalomyopathic type). Identifiers: Orphanet 369897, MedGen C3809592, MONDO:0014198, OMIM 615471.
Inborn genetic diseases. Identifiers: MedGen C0950123, MeSH D030342.

gnomAD v4.1: 5 of 1,607,330 alleles (0.00031%); highest among the groups gnomAD compares: Non-Finnish European, 0.00043%; no homozygotes.

Submissions (2):

3billion
Classification: Uncertain significance for Mitochondrial DNA depletion syndrome 13. Last evaluated: 2025-11-12. Review status: criteria provided, single submitter. Criteria: ACMG Guidelines, 2015. Collection method: clinical testing. Allele origin: germline. Affected: yes.
Comment: The variant is observed at an extremely low frequency in the gnomAD v4.1.0 dataset (total allele frequency: <0.001%). Predicted Consequence/Location: Missense variant The variant has been reported as of uncertain significance (ClinVar ID: VCV004023664). Therefore, this variant is classified as VUS according to the recommendation of ACMG/AMP guideline.

Ambry Genetics
Classification: Uncertain significance for Inborn genetic diseases. Last evaluated: 2025-05-25. Review status: criteria provided, single submitter. Criteria: Ambry Variant Classification Scheme 2023. Collection method: clinical testing. Allele origin: germline.